The following is an entry in ClinVar:

ClinVar aggregate classification (germline): Conflicting classifications of pathogenicity. Review status: criteria provided, conflicting classifications (1 of 4 stars). 3 submissions from 3 submitters: Uncertain significance (1); Benign (1). 1 of the submissions does not count toward it. Last evaluated 2026-01-09.

Allele frequency attached by ClinVar (database versions not stated): TOPMed 0.00015; ESP Exome Variant Server 0.00023; gnomAD exomes 0.00030; ExAC 0.00033; gnomAD 0.00089.
gnomAD v4.1: 365 of 1,613,636 alleles (0.023%); highest among the groups gnomAD compares: Non-Finnish European, 0.024%; 2 homozygotes.

Submissions (3):

Labcorp Genetics (formerly Invitae), Labcorp
Classification: Benign. Last evaluated: 2026-01-09. Review status: criteria provided, single submitter. Criteria: Invitae Variant Classification Sherloc (09022015). Collection method: clinical testing. Allele origin: germline.

GeneDx
Classification: Uncertain significance. Last evaluated: 2022-03-03. Review status: criteria provided, single submitter. Criteria: GeneDx Variant Classification Process June 2021. Collection method: clinical testing. Allele origin: germline. Affected: yes.
Comment: Observed in the heterozygous state in multiple individuals with familial breast cancer (Rump 2016); Published functional studies demonstrate no damaging effect: wild type levels of nucleotide excision repair and no evidence of negative modulation of transcription of target genes (Rump 2016); In silico analysis supports that this missense variant has a deleterious effect on protein structure/function; This variant is associated with the following publications: (PMID: 27504877, 26752647, 24728327)

ITMI
No classification provided. Condition: AllHighlyPenetrant. Last evaluated: 2013-09-19. Review status: no classification provided. Collection method: reference population. Allele origin: germline. Not counted in ClinVar's aggregate classification.
Comment: Please see associated publication for description of ethnicities

Literature cited by the submitters: PubMed 24728327 (cited by ITMI).

NM_000400.4(ERCC2):c.1775G>A (p.Arg592His)

Gene: ERCC2 (ERCC excision repair 2, TFIIH core complex helicase subunit; minus strand). Cytogenetic location: 19q13.32.
Variant type: single nucleotide variant.
Coding change: c.1775G>A on transcript NM_000400.4 (MANE Select); coding-DNA position 1775, G replaced by A.
Protein change: p.Arg592His; replaces arginine 592 with histidine.
Molecular consequence: missense variant.
Genome position (GRCh38, 1-based): chr19:45,353,139, C>T on the plus strand (G>A on the coding strand, the complement: ERCC2 is on the minus strand). VCF-style: chr19-45353139-C-T. GRCh37 (hg19) VCF-style: chr19-45856397-C-T.
Other names: short protein forms R592H.
Identifiers: ClinVar variation 134096 (VCV000134096.11), dbSNP rs147224585, ClinGen allele CA158755.